The following is an entry in ClinVar:

ClinVar aggregate classification (germline): Conflicting classifications of pathogenicity. Review status: criteria provided, conflicting classifications (1 of 4 stars). 2 submissions from 2 submitters: Likely pathogenic (1); Uncertain significance (1). Last evaluated 2025-02-12.

Conditions:
Familial thoracic aortic aneurysm and aortic dissection (TAAD). Also called: Thoracic aortic aneurysms and dissections. Identifiers: Orphanet 91387, MedGen C4707243, MONDO:0019625.

Submissions (2):

Labcorp Genetics (formerly Invitae), Labcorp
Classification: Uncertain significance for Familial thoracic aortic aneurysm and aortic dissection. Last evaluated: 2025-02-12. Review status: criteria provided, single submitter. Criteria: Invitae Variant Classification Sherloc (09022015). Collection method: clinical testing. Allele origin: germline.
Comment: This sequence change replaces arginine, which is basic and polar, with leucine, which is neutral and non-polar, at codon 487 of the TGFBR1 protein (p.Arg487Leu). This variant is not present in population databases (gnomAD no frequency). This variant has not been reported in the literature in individuals affected with TGFBR1-related conditions. ClinVar contains an entry for this variant (Variation ID: 390959). Invitae Evidence Modeling of protein sequence and biophysical properties (such as structural, functional, and spatial information, amino acid conservation, physicochemical variation, residue mobility, and thermodynamic stability) indicates that this missense variant is expected to disrupt TGFBR1 protein function with a positive predictive value of 80%. This variant disrupts the p.Arg487 amino acid residue in TGFBR1. Other variant(s) that disrupt this residue have been determined to be pathogenic (PMID: 15731757, 16928994, 22414221, 23884466, 25110237). This suggests that this residue is clinically significant, and that variants that disrupt this residue are likely to be disease-causing. In summary, the available evidence is currently insufficient to determine the role of this variant in disease. Therefore, it has been classified as a Variant of Uncertain Significance.

GeneDx
Classification: Likely pathogenic. Last evaluated: 2016-11-11. Review status: criteria provided, single submitter. Criteria: GeneDx Variant Classification (06012015). Collection method: clinical testing. Allele origin: germline. Affected: yes.
Comment: A novel missense variant that is likely pathogenic was identified in the TGFBR1 gene. It has not been published as a pathogenic variant, nor has it been reported as a benign variant to our knowledge. The R487L variant was not observed in approximately 6,500 individuals of European and African American ancestry in the NHLBI Exome Sequencing Project, indicating it is not a common benign variant in these populations. The R487L variant is a non-conservative amino acid substitution, which is likely to impact secondary protein structure as these residues differ in polarity, charge, size and/or other properties. This substitution occurs at a position that is conserved across species. In silico analysis predicts this variant is probably damaging to the protein structure/function. Other missense variants in the same residue (R487W, R487Q) have been reported in the Human Gene Mutation Database in association with Loeys-Dietz syndrome (Stenson et al., 2014), supporting the functional importance of this region of the protein.

Literature cited by the submitters: PubMed 15731757 (cited by Labcorp Genetics (formerly Invitae), Labcorp); PubMed 16928994 (cited by Labcorp Genetics (formerly Invitae), Labcorp); PubMed 22414221 (cited by Labcorp Genetics (formerly Invitae), Labcorp); PubMed 23884466 (cited by Labcorp Genetics (formerly Invitae), Labcorp); PubMed 25110237 (cited by Labcorp Genetics (formerly Invitae), Labcorp).

NM_004612.4(TGFBR1):c.1460G>T (p.Arg487Leu)

Gene: TGFBR1 (transforming growth factor beta receptor 1; plus strand). Cytogenetic location: 9q22.33.
Variant type: single nucleotide variant.
Coding change: c.1460G>T on transcript NM_004612.4 (MANE Select); coding-DNA position 1460, G replaced by T.
Protein change: p.Arg487Leu; replaces arginine 487 with leucine.
Molecular consequence: missense variant.
Genome position (GRCh38, 1-based): chr9:99,149,253, G>T. VCF-style: chr9-99149253-G-T. GRCh37 (hg19) VCF-style: chr9-101911535-G-T.
Other names: c.1229G>T, p.Arg410Leu (NM_001130916.3); c.1472G>T, p.Arg491Leu (NM_001306210.2); short protein forms R487L, R491L, R410L.
Identifiers: ClinVar variation 390959 (VCV000390959.3), dbSNP rs113605875, ClinGen allele CA16605939.